The following is an entry in ClinVar:

ClinVar aggregate classification (germline): Uncertain significance (1 of 4 stars; one submission).

Submission:

Ambry Genetics
Classification: Uncertain significance. Last evaluated: 2024-05-06. Review status: criteria provided, single submitter. Criteria: Ambry Variant Classification Scheme 2023. Collection method: clinical testing. Allele origin: germline.
Comment: The p.I707V variant (also known as c.2119A>G), located in coding exon 18 of the BUB1 gene, results from an A to G substitution at nucleotide position 2119. The isoleucine at codon 707 is replaced by valine, an amino acid with highly similar properties. This amino acid position is conserved. In addition, this alteration is predicted to be tolerated by in silico analysis. Since supporting evidence is limited at this time, the clinical significance of this alteration remains unclear.

NM_004336.5(BUB1):c.2119A>G (p.Ile707Val)

Gene: BUB1 (BUB1 mitotic checkpoint serine/threonine kinase; minus strand). Cytogenetic location: 2q13.
Variant type: single nucleotide variant.
Coding change: c.2119A>G on transcript NM_004336.5 (MANE Select); coding-DNA position 2119, A replaced by G.
Protein change: p.Ile707Val; replaces isoleucine 707 with valine.
Molecular consequence: missense variant.
Genome position (GRCh38, 1-based): chr2:110,650,630, T>C on the plus strand (A>G on the coding strand, the complement: BUB1 is on the minus strand). VCF-style: chr2-110650630-T-C. GRCh37 (hg19) VCF-style: chr2-111408207-T-C.
Other names: c.2059A>G, p.Ile687Val (NM_001278616.2); c.2119A>G, p.Ile707Val (NM_001278617.2); short protein forms I687V, I707V.
Identifiers: ClinVar variation 1786202 (VCV001786202.3), dbSNP rs778262912, ClinGen allele CA348209860.